The following is an entry in ClinVar:

NM_022081.6(HPS4):c.1916A>C (p.Glu639Ala)

Gene: HPS4 (HPS4 biogenesis of lysosomal organelles complex 3 subunit 2; minus strand). Cytogenetic location: 22q12.1.
Variant type: single nucleotide variant.
Coding change: c.1916A>C on transcript NM_022081.6 (MANE Select); coding-DNA position 1916, A replaced by C.
Protein change: p.Glu639Ala; replaces glutamic acid 639 with alanine.
Molecular consequence: missense variant. On other transcripts: non-coding transcript variant (8), intron variant (2).
Genome position (GRCh38, 1-based): chr22:26,457,898, T>G on the plus strand (A>C on the coding strand, the complement: HPS4 is on the minus strand). VCF-style: chr22-26457898-T-G. GRCh37 (hg19) VCF-style: chr22-26853864-T-G.
Other names: c.1916A>C, p.Glu639Ala (NM_001349896.1, NM_001349898.2, NM_001349899.2 and 3 more transcripts); c.1970A>C, p.Glu657Ala (NM_001349900.2, NM_001349901.1); c.1901A>C, p.Glu634Ala (NM_152841.2); c.1714-4494A>C (NM_001349902.1, NM_001349903.2); short protein forms E634A, E639A, E657A.
Identifiers: ClinVar variation 3348258 (VCV003348258.1).

ClinVar aggregate classification (germline): Uncertain significance (0 of 4 stars; one submission).

Conditions:
HPS4-related disorder. Also called: HPS4-related condition.

Submission:

PreventionGenetics, part of Exact Sciences
Classification: Uncertain significance for HPS4-related condition. Last evaluated: 2024-07-30. Review status: no assertion criteria provided. Collection method: clinical testing. Allele origin: germline.
Comment: The HPS4 c.1916A>C variant is predicted to result in the amino acid substitution p.Glu639Ala. To our knowledge, this variant has not been reported in the literature or in a large population database, indicating this variant is rare. At this time, the clinical significance of this variant is uncertain due to the absence of conclusive functional and genetic evidence.